The following is an entry in ClinVar:

NM_000051.4(ATM):c.2169G>T (p.Val723=)

Gene: ATM (ATM serine/threonine kinase; plus strand). Cytogenetic location: 11q22.3.
Variant type: single nucleotide variant.
Coding change: c.2169G>T on transcript NM_000051.4 (MANE Select); coding-DNA position 2169, G replaced by T.
Protein change: p.Val723=; no amino-acid change (valine 723 retained).
Molecular consequence: synonymous variant.
Genome position (GRCh38, 1-based): chr11:108,256,259, G>T. VCF-style: chr11-108256259-G-T. GRCh37 (hg19) VCF-style: chr11-108126986-G-T.
Other names: c.2169G>T, p.Val723= (NM_001351834.2).
Identifiers: ClinVar variation 236683 (VCV000236683.20), dbSNP rs878853491, ClinGen allele CA10582800.

ClinVar aggregate classification (germline): Benign/Likely benign. Review status: criteria provided, multiple submitters, no conflicts (2 of 4 stars). 5 submissions from 5 submitters: Benign (1); Likely benign (4). Last evaluated 2025-12-29.

Conditions:
Familial cancer of breast. Also called: hereditary breast carcinoma; BREAST CANCER, FAMILIAL; Hereditary breast cancer. Identifiers: Orphanet 227535, MedGen C0346153, MONDO:0016419, OMIM 114480. Disease mechanism: loss of function.
Hereditary cancer-predisposing syndrome. Also called: Tumor predisposition; Hereditary Cancer Syndrome; Hereditary neoplastic syndrome; Neoplastic Syndromes, Hereditary. Identifiers: Orphanet 140162, MedGen C0027672, MeSH D009386, MONDO:0015356.
Ataxia-telangiectasia syndrome (AT). Also called: Ataxia telangiectasia (A-T); LOUIS-BAR SYNDROME; Cerebello-oculocutaneous telangiectasia; Immunodeficiency with ataxia telangiectasia; ATAXIA-TELANGIECTASIA, COMPLEMENTATION GROUP A; ATAXIA-TELANGIECTASIA, FRESNO VARIANT. Identifiers: Orphanet 100, MedGen C0004135, MONDO:0008840, OMIM 208900.

gnomAD v4.1: 2 of 1,610,268 alleles (0.00012%); highest among the groups gnomAD compares: Middle Eastern, 0.017%; no homozygotes.

Submissions (5):

Center for Genomic Medicine, Rigshospitalet, Copenhagen University Hospital
Classification: Likely benign. Last evaluated: 2025-12-29. Review status: criteria provided, single submitter. Criteria: ACMG Guidelines, 2015. Collection method: clinical testing. Allele origin: germline.
Comment: Classification criteria: BP4, BP7

Labcorp Genetics (formerly Invitae), Labcorp
Classification: Likely benign for Ataxia-telangiectasia syndrome. Last evaluated: 2025-10-07. Review status: criteria provided, single submitter. Criteria: Invitae Variant Classification Sherloc (09022015). Collection method: clinical testing. Allele origin: germline.

Myriad Genetics, Inc.
Classification: Benign for Familial cancer of breast. Last evaluated: 2024-05-07. Review status: criteria provided, single submitter. Criteria: Myriad Autosomal Dominant, Autosomal Recessive and X-Linked Classification Criteria (2023). Collection method: clinical testing. Allele origin: unknown.
Comment: This variant is considered benign. This variant is a silent/synonymous amino acid change and it is not expected to impact splicing.

Color Diagnostics, LLC DBA Color Health
Classification: Likely benign for Hereditary cancer-predisposing syndrome. Last evaluated: 2016-07-11. Review status: criteria provided, single submitter. Criteria: ACMG Guidelines, 2015. Collection method: clinical testing. Allele origin: germline.

Ambry Genetics
Classification: Likely benign for Hereditary cancer-predisposing syndrome. Last evaluated: 2016-02-06. Review status: criteria provided, single submitter. Criteria: Ambry Variant Classification Scheme 2023. Collection method: clinical testing. Allele origin: germline.